The following is an entry in ClinVar:

NM_001365999.1(SZT2):c.4805dup (p.Val1603fs)

Gene: SZT2 (SZT2 subunit of KICSTOR complex; plus strand). Cytogenetic location: 1p34.2.
Variant type: Duplication.
Coding change: c.4805dup on transcript NM_001365999.1 (MANE Select); coding-DNA position 4805, one base duplicated (C; older notation c.4805dupC).
Protein change: p.Val1603fs; shifts the reading frame from valine 1603.
Molecular consequence: frameshift variant.
Genome position (GRCh38, 1-based): chr1:43,430,979, C duplicated; the last of 6 consecutive C bases (chr1:43,430,974-43,430,979); duplicating any one gives the same sequence. VCF-style (leftmost placement, unchanged base first): chr1-43430973-G-GC. GRCh37 (hg19) VCF-style: chr1-43896644-G-GC.
Other names: c.4634dup, p.Val1546fs (NM_015284.4); short protein forms V1546fs, V1603fs.
Identifiers: ClinVar variation 3700358 (VCV003700358.2).

ClinVar aggregate classification (germline): Pathogenic (1 of 4 stars; one submission).

Submission:

Labcorp Genetics (formerly Invitae), Labcorp
Classification: Pathogenic. Last evaluated: 2024-07-18. Review status: criteria provided, single submitter. Criteria: Invitae Variant Classification Sherloc (09022015). Collection method: clinical testing. Allele origin: germline.
Comment: This sequence change creates a premature translational stop signal (p.Val1546Serfs*41) in the SZT2 gene. It is expected to result in an absent or disrupted protein product. Loss-of-function variants in SZT2 are known to be pathogenic (PMID: 23932106, 27248490, 28556953). This variant is not present in population databases (gnomAD no frequency). This variant has not been reported in the literature in individuals affected with SZT2-related conditions. For these reasons, this variant has been classified as Pathogenic.

Literature cited by the submitters: PubMed 23932106; PubMed 27248490; PubMed 28556953.